The following is an entry in ClinVar:

NM_001206641.3(COA6):c.373-19T>A

Gene: COA6 (cytochrome c oxidase assembly factor 6; plus strand). Cytogenetic location: 1q42.2.
Variant type: single nucleotide variant.
Coding change: c.373-19T>A on transcript NM_001206641.3 (MANE Select); 19 bases into the intron before coding-DNA position 373, T replaced by A.
Molecular consequence: intron variant.
Genome position (GRCh38, 1-based): chr1:234,383,704, T>A. VCF-style: chr1-234383704-T-A. GRCh37 (hg19) VCF-style: chr1-234519450-T-A.
Other names: c.283-19T>A (NM_001012985.2); c.145-19T>A (NM_001301733.1).
Identifiers: ClinVar variation 516989 (VCV000516989.10), dbSNP rs575609182, ClinGen allele CA1460080.

ClinVar aggregate classification (germline): Benign. Review status: criteria provided, multiple submitters, no conflicts (2 of 4 stars). 2 submissions from 2 submitters: Benign (2). Last evaluated 2025-12-16.

Allele frequency attached by ClinVar (database versions not stated): ExAC 0.00346; 1000 Genomes Project 0.00619; 1000 Genomes Project 30x 0.00796; TOPMed 0.00861; gnomAD 0.01247 and 0.01354.
gnomAD v4.1: 1,857 of 1,018,678 alleles (0.18%); highest among the groups gnomAD compares: African/African-American, 4.6%; 26 homozygotes.

Submissions (3):

Labcorp Genetics (formerly Invitae), Labcorp
Classification: Benign. Last evaluated: 2025-12-16. Review status: criteria provided, single submitter. Criteria: Invitae Variant Classification Sherloc (09022015). Collection method: clinical testing. Allele origin: germline.

GeneDx
Classification: Benign. Last evaluated: 2017-09-11. Review status: criteria provided, single submitter. Criteria: GeneDx Variant Classification (06012015). Collection method: clinical testing. Allele origin: germline. Affected: yes.
Comment: This variant is considered likely benign or benign based on one or more of the following criteria: it is a conservative change, it occurs at a poorly conserved position in the protein, it is predicted to be benign by multiple in silico algorithms, and/or has population frequency not consistent with disease.

Dr. Peter K. Rogan Lab, Western University
No classification provided (evidence only). Condition: Uterine corpus endometrial carcinoma. Review status: no classification provided. Collection method: in vitro. Allele origin: not applicable. Functional consequence: retained intron. Not counted in ClinVar's aggregate classification.